The following is an entry in ClinVar:

NM_001170700.3(DTHD1):c.1046T>C (p.Ile349Thr)

Gene: DTHD1 (death domain containing 1; plus strand). Cytogenetic location: 4p14.
Variant type: single nucleotide variant.
Coding change: c.1046T>C on transcript NM_001170700.3 (MANE Select); coding-DNA position 1046, T replaced by C.
Protein change: p.Ile349Thr; replaces isoleucine 349 with threonine.
Molecular consequence: missense variant. On other transcripts: non-coding transcript variant (2).
Genome position (GRCh38, 1-based): chr4:36,290,531, T>C. VCF-style: chr4-36290531-T-C. GRCh37 (hg19) VCF-style: chr4-36292153-T-C.
Other names: c.176T>C, p.Ile59Thr (NM_001136536.5, NM_001378435.1); short protein forms I349T, I59T.
Identifiers: ClinVar variation 1717746 (VCV001717746.5), dbSNP rs1756011666, ClinGen allele CA356678914.
Genomic context (GRCh38, chr4:36,290,531, plus strand): 5'-ATCACATGAGTTCTTTAATAGTGGGTGATAATGAAGAGTTAGTTAGCAACGTCATAACTA[T>C]TGAATGCTCAGATAAGGAAAAGAGAGTTCCATTTCCAATAGGCATTGCAATTCCATTTAC-3'
Protein context (NP_001164171.2, residues 339-359): NEELVSNVIT[Ile349Thr]ECSDKEKRVP

ClinVar aggregate classification (germline): Uncertain significance (1 of 4 stars; one submission).

Submission:

Labcorp Genetics (formerly Invitae), Labcorp
Classification: Uncertain significance. Last evaluated: 2022-09-18. Review status: criteria provided, single submitter. Criteria: Invitae Variant Classification Sherloc (09022015). Collection method: clinical testing. Allele origin: germline.
Comment: This sequence change replaces isoleucine, which is neutral and non-polar, with threonine, which is neutral and polar, at codon 59 of the DTHD1 protein (p.Ile59Thr). This variant is not present in population databases (gnomAD no frequency). This variant has not been reported in the literature in individuals affected with DTHD1-related conditions. Algorithms developed to predict the effect of missense changes on protein structure and function are either unavailable or do not agree on the potential impact of this missense change (SIFT: "Deleterious"; PolyPhen-2: "Benign"; Align-GVGD: "Class C0"). In summary, the available evidence is currently insufficient to determine the role of this variant in disease. Therefore, it has been classified as a Variant of Uncertain Significance.